The following is an entry in ClinVar:

ClinVar aggregate classification (germline): Pathogenic (1 of 4 stars; one submission).

Conditions:
Intestinal hypomagnesemia 1. Also called: HYPOMAGNESEMIA, INTESTINAL, WITH SECONDARY HYPOCALCEMIA; HYPOMAGNESEMIC TETANY. Identifiers: Orphanet 30924, MedGen C1865974, MONDO:0011176, OMIM 602014.

Submission:

3billion
Classification: Pathogenic for Intestinal hypomagnesemia 1. Review status: criteria provided, single submitter. Criteria: ACMG Guidelines, 2015. Collection method: clinical testing. Allele origin: unknown. Affected: yes. Observed: 1 homozygote.
Comment: The variant is not observed in the gnomAD v2.1.1 dataset. The variant is predicted to result in a loss or disruption of normal protein function through nonsense-mediated decay (NMD) or protein truncation. Multiple pathogenic variants are reported downstream of the variant. Therefore, this variant is classified as Pathogenic according to the recommendation of ACMG/AMP guideline.

NM_017662.5(TRPM6):c.3643del (p.Ser1215fs)

Gene: TRPM6 (transient receptor potential cation channel subfamily M member 6; minus strand). Cytogenetic location: 9q21.13.
Variant type: Deletion.
Coding change: c.3643del on transcript NM_017662.5 (MANE Select); coding-DNA position 3643, one base deleted (T; older notation c.3643delT).
Protein change: p.Ser1215fs; shifts the reading frame from serine 1215.
Molecular consequence: frameshift variant.
Genome position (GRCh38, 1-based): chr9:74,763,028, A deleted on the plus strand (T on the coding strand, the reverse complement: TRPM6 is on the minus strand). VCF-style (leftmost placement, unchanged base first): chr9-74763027-GA-G. GRCh37 (hg19) VCF-style: chr9-77377943-GA-G.
Other names: c.3628del, p.Ser1210fs (NM_001177310.2, NM_001177311.2); short protein forms S1210fs, S1215fs.
Identifiers: ClinVar variation 2572474 (VCV002572474.1), dbSNP rs2489897834, ClinGen allele CA2580616210.